The following is an entry in ClinVar:

ClinVar aggregate classification (germline): Uncertain significance (1 of 4 stars; one submission).

Submission:

Labcorp Genetics (formerly Invitae), Labcorp
Classification: Uncertain significance. Last evaluated: 2025-08-11. Review status: criteria provided, single submitter. Criteria: Invitae Variant Classification Sherloc (09022015). Collection method: clinical testing. Allele origin: germline.
Comment: This sequence change replaces serine, which is neutral and polar, with isoleucine, which is neutral and non-polar, at codon 164 of the RUSC2 protein (p.Ser164Ile). This variant is not present in population databases (gnomAD no frequency). This variant has not been reported in the literature in individuals affected with RUSC2-related conditions. An algorithm developed to predict the effect of missense changes on protein structure and function (PolyPhen-2) suggests that this variant is likely to be tolerated. In summary, the available evidence is currently insufficient to determine the role of this variant in disease. Therefore, it has been classified as a Variant of Uncertain Significance.

NM_014806.5(RUSC2):c.491G>T (p.Ser164Ile)

Gene: RUSC2 (RUN and SH3 domain containing 2; plus strand). Cytogenetic location: 9p13.3.
Variant type: single nucleotide variant.
Coding change: c.491G>T on transcript NM_014806.5 (MANE Select); coding-DNA position 491, G replaced by T.
Protein change: p.Ser164Ile; replaces serine 164 with isoleucine.
Molecular consequence: missense variant. On other transcripts: non-coding transcript variant (1), intron variant (1).
Genome position (GRCh38, 1-based): chr9:35,547,012, G>T. VCF-style: chr9-35547012-G-T. GRCh37 (hg19) VCF-style: chr9-35547009-G-T.
Other names: c.491G>T, p.Ser164Ile (NM_001135999.2); c.-620-8048G>T (NM_001330740.2); short protein forms S164I.
Identifiers: ClinVar variation 4704277 (VCV004704277.1).